The following is an entry in ClinVar:

ClinVar aggregate classification (germline): Uncertain significance (1 of 4 stars; one submission).

Submission:

Labcorp Genetics (formerly Invitae), Labcorp
Classification: Uncertain significance. Last evaluated: 2025-12-01. Review status: criteria provided, single submitter. Criteria: Invitae Variant Classification Sherloc (09022015). Collection method: clinical testing. Allele origin: germline.
Comment: This sequence change replaces glutamine, which is neutral and polar, with glutamic acid, which is acidic and polar, at codon 390 of the OAS1 protein (p.Gln390Glu). This variant is not present in population databases (gnomAD no frequency). This variant has not been reported in the literature in individuals affected with OAS1-related conditions. An algorithm developed to predict the effect of missense changes on protein structure and function (PolyPhen-2) suggests that this variant is likely to be tolerated. In summary, the available evidence is currently insufficient to determine the role of this variant in disease. Therefore, it has been classified as a Variant of Uncertain Significance.

NM_016816.4(OAS1):c.1168C>G (p.Gln390Glu)

Gene: OAS1 (2'-5'-oligoadenylate synthetase 1; plus strand). Cytogenetic location: 12q24.13.
Variant type: single nucleotide variant.
Coding change: c.1168C>G on transcript NM_016816.4 (MANE Select); coding-DNA position 1168, C replaced by G.
Protein change: p.Gln390Glu; replaces glutamine 390 with glutamic acid.
Molecular consequence: missense variant. On other transcripts: 3 prime UTR variant (5), non-coding transcript variant (9), intron variant (2).
Genome position (GRCh38, 1-based): chr12:112,919,518, C>G. VCF-style: chr12-112919518-C-G. GRCh37 (hg19) VCF-style: chr12-113357323-C-G.
Other names: c.1070C>G, p.Thr357Arg (NM_001032409.3); c.1046C>G, p.Thr349Arg (NM_001406020.1); c.1144C>G, p.Gln382Glu (NM_001406021.1); c.*805C>G (NM_001406022.1, NM_001406023.1, NM_001406029.1); c.*1761C>G (NM_001406024.1, NM_001406030.1); c.596C>G, p.Thr199Arg (NM_001406026.1); c.694C>G, p.Gln232Glu (NM_001406027.1); c.1038+1818C>G (NM_001320151.2); and 1 more; short protein forms Q232E, Q382E, Q390E, T199R, T349R, T357R.
Identifiers: ClinVar variation 4808805 (VCV004808805.1).